The following is an entry in ClinVar:

NM_001004334.4(GPR179):c.3349G>A (p.Gly1117Arg)

Gene: GPR179 (G protein-coupled receptor 179; minus strand). Cytogenetic location: 17q12.
Variant type: single nucleotide variant.
Coding change: c.3349G>A on transcript NM_001004334.4 (MANE Select); coding-DNA position 3349, G replaced by A.
Protein change: p.Gly1117Arg; replaces glycine 1117 with arginine.
Molecular consequence: missense variant.
Genome position (GRCh38, 1-based): chr17:38,330,220, C>T on the plus strand (G>A on the coding strand, the complement: GPR179 is on the minus strand). VCF-style: chr17-38330220-C-T. GRCh37 (hg19) VCF-style: chr17-36486103-C-T.
Other names: short protein forms G1117R.
Identifiers: ClinVar variation 888814 (VCV000888814.8), dbSNP rs771334464, ClinGen allele CA290105200.

ClinVar aggregate classification (germline): Conflicting classifications of pathogenicity. Review status: criteria provided, conflicting classifications (1 of 4 stars). 3 submissions from 3 submitters: Uncertain significance (2); Likely benign (1). Last evaluated 2023-09-26.

Conditions:
Congenital stationary night blindness 1E. Also called: Night blindness, congenital stationary (complete), 1E, autosomal recessive. Identifiers: Orphanet 215, MedGen C3281215, MONDO:0013807, OMIM 614565.
Inborn genetic diseases. Identifiers: MedGen C0950123, MeSH D030342.

Allele frequency attached by ClinVar (database versions not stated): gnomAD 0.00001; gnomAD exomes 0.00002 and 0.00006; TOPMed 0.00005; ExAC 0.00007.

Submissions (3):

Ambry Genetics
Classification: Likely benign for Inborn genetic diseases. Last evaluated: 2023-09-26. Review status: criteria provided, single submitter. Criteria: Ambry Variant Classification Scheme 2023. Collection method: clinical testing. Allele origin: germline.

Labcorp Genetics (formerly Invitae), Labcorp
Classification: Uncertain significance. Last evaluated: 2023-09-25. Review status: criteria provided, single submitter. Criteria: Invitae Variant Classification Sherloc (09022015). Collection method: clinical testing. Allele origin: germline.
Comment: In summary, the available evidence is currently insufficient to determine the role of this variant in disease. Therefore, it has been classified as a Variant of Uncertain Significance. This sequence change replaces glycine, which is neutral and non-polar, with arginine, which is basic and polar, at codon 1117 of the GPR179 protein (p.Gly1117Arg). This variant is present in population databases (rs771334464, gnomAD 0.07%). This variant has not been reported in the literature in individuals affected with GPR179-related conditions. ClinVar contains an entry for this variant (Variation ID: 888814). Algorithms developed to predict the effect of missense changes on protein structure and function output the following: SIFT: "Not Available"; PolyPhen-2: "Benign"; Align-GVGD: "Not Available". The arginine amino acid residue is found in multiple mammalian species, which suggests that this missense change does not adversely affect protein function.

Illumina Laboratory Services, Illumina
Classification: Uncertain significance for Congenital stationary night blindness 1E. Last evaluated: 2018-01-13. Review status: criteria provided, single submitter. Criteria: ICSL Variant Classification Criteria 13 December 2019. Collection method: clinical testing. Allele origin: germline.